The following is an entry in ClinVar:

NM_015419.4(MXRA5):c.748G>A (p.Gly250Ser)

Gene: MXRA5 (matrix remodeling associated 5; minus strand). Cytogenetic location: Xp22.33.
Variant type: single nucleotide variant.
Coding change: c.748G>A on transcript NM_015419.4 (MANE Select); coding-DNA position 748, G replaced by A.
Protein change: p.Gly250Ser; replaces glycine 250 with serine.
Molecular consequence: missense variant.
Genome position (GRCh38, 1-based): chrX:3,324,937, C>T on the plus strand (G>A on the coding strand, the complement: MXRA5 is on the minus strand). VCF-style: chrX-3324937-C-T. GRCh37 (hg19) VCF-style: chrX-3242978-C-T.
Other names: short protein forms G250S.
Identifiers: ClinVar variation 2659890 (VCV002659890.24), dbSNP rs762522596, ClinGen allele CA10340433.

ClinVar aggregate classification (germline): Likely benign (1 of 4 stars; one submission).

Allele frequency attached by ClinVar (database versions not stated): gnomAD 0.00005; ExAC 0.00006; gnomAD exomes 0.00007; TOPMed 0.00009; 1000 Genomes Project 30x 0.00021; 1000 Genomes Project 0.00026.
gnomAD v4.1: 78 of 1,191,972 alleles (0.0065%); highest among the groups gnomAD compares: African/African-American, 0.018%; no homozygotes.

Submission:

CeGaT Center for Human Genetics Tuebingen
Classification: Likely benign. Last evaluated: 2022-05-01. Review status: criteria provided, single submitter. Criteria: CeGaT Center For Human Genetics Tuebingen Variant Classification Criteria Version 2. Collection method: clinical testing. Allele origin: germline. Affected: yes. Observed: 1 variant allele.
Comment: MXRA5: BS2